The following is an entry in ClinVar:

ClinVar aggregate classification (germline): Conflicting classifications of pathogenicity. Review status: criteria provided, conflicting classifications (1 of 4 stars). 17 submissions from 17 submitters: Uncertain significance (1); Benign (2); Likely benign (8). 6 of the submissions do not count toward it. Last evaluated 2026-02-03.

Conditions:
MUTYH-related disorder. Also called: MUTYH-related disorders; MUTYH-related condition.
Hereditary cancer-predisposing syndrome. Also called: Neoplastic Syndromes, Hereditary; Tumor predisposition; Hereditary Cancer Syndrome; Hereditary neoplastic syndrome. Identifiers: Orphanet 140162, MedGen C0027672, MeSH D009386, MONDO:0015356.
Familial adenomatous polyposis 2. Also called: ADENOMAS, MULTIPLE COLORECTAL, AUTOSOMAL RECESSIVE; MUTYH Polyposis; Adenomas, multiple colorectal; FAP type 2; MYH-associated polyposis; MUTYH-related attenuated familial adenomatous polyposis. Identifiers: Orphanet 220460, Orphanet 247798, MedGen C3272841, MONDO:0012041, OMIM 608456.

Allele frequency attached by ClinVar (database versions not stated): ExAC 0.00039; gnomAD 0.00011 and 0.00020; gnomAD exomes 0.00038 and 0.00021; 1000 Genomes Project 30x 0.00125; 1000 Genomes Project 0.00140; TOPMed 0.00034.
gnomAD v4.1: 335 of 1,614,186 alleles (0.021%); highest among the groups gnomAD compares: East Asian, 0.61%; 6 homozygotes.

Submissions (17):

Labcorp Genetics (formerly Invitae), Labcorp
Classification: Likely benign for Familial adenomatous polyposis 2. Last evaluated: 2026-02-03. Review status: criteria provided, single submitter. Criteria: Invitae Variant Classification Sherloc (09022015). Collection method: clinical testing. Allele origin: germline.

Women's Health and Genetics/Laboratory Corporation of America, LabCorp
Classification: Likely benign. Last evaluated: 2025-11-05. Review status: criteria provided, single submitter. Criteria: LabCorp Variant Classification Summary - May 2015. Collection method: clinical testing. Allele origin: germline.
Comment: Variant summary: MUTYH c.1118C>T (p.Ala373Val) results in a non-conservative amino acid change located in the MutY, C-terminal domain (IPR029119) of the encoded protein sequence. Algorithms developed to predict the effect of missense changes on protein structure and function all suggest that this variant is likely to be disruptive. The variant allele was found at a frequency of 0.0004 in 250664 control chromosomes, predominantly at a frequency of 0.0046 within the East Asian subpopulation in the gnomAD database. This frequency is not significantly higher than estimated for disease-causing variants in MUTYH, allowing no conclusion about variant significance. In addition, the variant was found at an even higher frequency of 0.0091 in Japanese controls in the HGVD-Kyoto database, suggesting that this variant is a benign polymorphism found primarily in individuals of East Asian ethnicity. c.1118C>T has been reported in affected individuals in the literature, including at least one occurrence in an individual presenting with colorectal polyposis, who was homozygous for both the variant of interest, but also the likely pathogenic variant p.G272E (Yanaru-Fujisawa_2008). Cosegregation studies associating the variant of interest with disease have not, to our knowledge, been performed. Additionally, a case-control study showed the variant at a similar frequency in cases compared to controls, showing the variant to not be associated with colorectal cancer risk in the Japanese cohort (Fujita_2020). The reports in patients in the literature do not provide unequivocal conclusions about association of the variant with MUTYH-Associated Polyposis. At least two publications report experimental evidence indicating that the variant does not significantly affect DNA-glycosylase activity (e.g. Goto_2010, Yanaru-Fujisawa_2008). The following publications have been ascertained in the context of this evaluation (PMID: 34285288, 33309985, 31273614, 28861346, 20848659, 17252231, 17703316, 26837502, 33878367, 26689913, 29667044, 24799981, 31360874, 25186627, 18422726, 32390703). ClinVar contains an entry for this variant (Variation ID: 41751). Based on the evidence outlined above, the variant was classified as likely benign.

Quest Diagnostics Nichols Institute San Juan Capistrano
Classification: Benign. Last evaluated: 2025-07-25. Review status: criteria provided, single submitter. Criteria: Quest Diagnostics criteria. Collection method: clinical testing. Allele origin: unknown.

Center for Genomic Medicine, Rigshospitalet, Copenhagen University Hospital
Classification: Likely benign. Last evaluated: 2025-03-04. Review status: criteria provided, single submitter. Criteria: ACMG Guidelines, 2015. Collection method: clinical testing. Allele origin: germline.

Blueprint Genetics
Classification: Uncertain significance. Last evaluated: 2024-05-07. Review status: criteria provided, single submitter. Criteria: ACMG Guidelines, 2015. Collection method: clinical testing. Allele origin: germline.

CeGaT Center for Human Genetics Tuebingen
Classification: Likely benign. Last evaluated: 2024-02-01. Review status: criteria provided, single submitter. Criteria: CeGaT Center For Human Genetics Tuebingen Variant Classification Criteria Version 2. Collection method: clinical testing. Allele origin: germline. Affected: yes. Observed: 2 variant alleles.
Comment: MUTYH: BS3:Supporting, BS2

Sema4
Classification: Likely benign for Hereditary cancer-predisposing syndrome. Last evaluated: 2021-05-16. Review status: criteria provided, single submitter. Criteria: Sema4 Curation Guidelines. Collection method: curation. Allele origin: germline.

Mendelics
Classification: Likely benign for Familial adenomatous polyposis 2. Last evaluated: 2019-05-28. Review status: criteria provided, single submitter. Criteria: Mendelics Assertion Criteria 2017. Collection method: clinical testing. Allele origin: unknown.

Ambry Genetics
Classification: Likely benign for Hereditary cancer-predisposing syndrome. Last evaluated: 2018-06-11. Review status: criteria provided, single submitter. Criteria: Ambry Variant Classification Scheme 2023. Collection method: clinical testing. Allele origin: germline.

GeneDx
Classification: Likely benign. Last evaluated: 2018-01-20. Review status: criteria provided, single submitter. Criteria: GeneDx Variant Classification (06012015). Collection method: clinical testing. Allele origin: germline. Affected: yes.
Comment: This variant is considered likely benign or benign based on one or more of the following criteria: it is a conservative change, it occurs at a poorly conserved position in the protein, it is predicted to be benign by multiple in silico algorithms, and/or has population frequency not consistent with disease.

Color Diagnostics, LLC DBA Color Health
Classification: Benign for Hereditary cancer-predisposing syndrome. Last evaluated: 2016-03-21. Review status: criteria provided, single submitter. Criteria: ACMG Guidelines, 2015. Collection method: clinical testing. Allele origin: germline.

Biesecker Lab/Clinical Genomics Section, National Institutes of Health
Classification: Likely benign. Last evaluated: 2024-01-02. Review status: no assertion criteria provided. Collection method: research. Allele origin: germline. Affected: no. Observed: 1 variant allele. Study: ClinSeq. Not counted in ClinVar's aggregate classification.
Comment: This variant has been classified as likely benign based on a combination of factors including bioinformatic predictions (REVEL 0.470), population frequency in gnomAD (popmax EAS 0.456), and functional assay results (PMID: 20848659).

PreventionGenetics, part of Exact Sciences
Classification: Likely benign for MUTYH-related condition. Last evaluated: 2019-03-28. Review status: no assertion criteria provided. Collection method: clinical testing. Allele origin: germline. Not counted in ClinVar's aggregate classification.
Comment: This variant is classified as likely benign based on ACMG/AMP sequence variant interpretation guidelines (Richards et al. 2015 PMID: 25741868, with internal and published modifications).

Counsyl
Classification: Likely benign for Familial adenomatous polyposis 2. Last evaluated: 2016-07-18. Review status: no assertion criteria provided. Collection method: clinical testing. Allele origin: unknown. Not counted in ClinVar's aggregate classification.

Department of Pathology and Laboratory Medicine, Sinai Health System
Classification: Likely benign for Familial adenomatous polyposis 2. Review status: no assertion criteria provided. Collection method: clinical testing. Allele origin: unknown. Affected: yes. Study: The Canadian Open Genetics Repository (COGR). Not counted in ClinVar's aggregate classification.
Comment: The MUTYH p.Ala373Val variant was identified in 4 of 256 proband chromosomes (frequency: 0.016) from Japanese or Korean individuals or families with adenomatous polyposis, and was identified in 4 of 192 control chromosomes (frequency: 0.021) from healthy individuals (Kim 2007; Yanaru-Fujisawa 2008); however, an insufficient number of controls were included in these studies to determine the frequency of this variant in the general population. Functional studies assessing glycosylase activity of the MUTYH protein showed that the p.Ala373Val variant retained its activity (Goto 2010, Yanaru-Fujisawa 2008). The variant was also identified in dbSNP (rs35352891) â€šÃ„ÃºWith allele of uncertain significanceâ€šÃ„Ã¹, with a minor allele frequency of 0.001(1000 Genomes Project), HGMD, and the ClinVar database (as a variant of unknown significance). The p.Ala373 residue is conserved in mammals; however, computational analyses (PolyPhen-2, SIFT, AlignGVGD, MutationTaster) provide inconsistent predictions regarding the impact to the protein and this information is not very predictive of pathogenicity. In summary, based on the above information, the clinical significance of this variant cannot be determined with certainty at this time although we would lean towards a more benign role for this variant. This variant is classified as predicted benign.

GeneReviews
Classification: Pathogenic for Familial adenomatous polyposis 2. Last evaluated: 2019-10-08. Review status: flagged submission. Collection method: literature only. Allele origin: germline. Not counted in ClinVar's aggregate classification.
ClinVar note: Reason: Unnecessary conflicting claim for distinct condition when other classifications are more relevant

Institute for Biomarker Research, Medical Diagnostic Laboratories, L.L.C.
Classification: Uncertain significance for Hereditary cancer-predisposing syndrome. Last evaluated: 2017-02-14. Review status: flagged submission. Criteria: ACMG Guidelines, 2015. Collection method: clinical testing. Allele origin: germline. Not counted in ClinVar's aggregate classification.
ClinVar note: Reason: Outlier claim with insufficient supporting evidence

Literature cited by the submitters: PubMed 24799981 (cited by 3 submitters); PubMed 20848659 (cited by 3 submitters); PubMed 25186627 (cited by Women's Health and Genetics/Laboratory Corporation of America, LabCorp and Quest Diagnostics Nichols Institute San Juan Capistrano); PubMed 26689913 (cited by Women's Health and Genetics/Laboratory Corporation of America, LabCorp and Quest Diagnostics Nichols Institute San Juan Capistrano); PubMed 17703316 (cited by 4 submitters); PubMed 26837502 (cited by Women's Health and Genetics/Laboratory Corporation of America, LabCorp and Quest Diagnostics Nichols Institute San Juan Capistrano); PubMed 17252231 (cited by 3 submitters); PubMed 18422726 (cited by 5 submitters); PubMed 29667044 (cited by Women's Health and Genetics/Laboratory Corporation of America, LabCorp); PubMed 28861346 (cited by Women's Health and Genetics/Laboratory Corporation of America, LabCorp); PubMed 31360874 (cited by Women's Health and Genetics/Laboratory Corporation of America, LabCorp and Quest Diagnostics Nichols Institute San Juan Capistrano); PubMed 31273614 (cited by Women's Health and Genetics/Laboratory Corporation of America, LabCorp and Quest Diagnostics Nichols Institute San Juan Capistrano); PubMed 33309985 (cited by Women's Health and Genetics/Laboratory Corporation of America, LabCorp); PubMed 32390703 (cited by Women's Health and Genetics/Laboratory Corporation of America, LabCorp); PubMed 34285288 (cited by Women's Health and Genetics/Laboratory Corporation of America, LabCorp); PubMed 33878367 (cited by Women's Health and Genetics/Laboratory Corporation of America, LabCorp); PubMed 33471991 (cited by Quest Diagnostics Nichols Institute San Juan Capistrano); PubMed 23035301 (cited by Quest Diagnostics Nichols Institute San Juan Capistrano and GeneReviews); PubMed 25820570 (cited by Quest Diagnostics Nichols Institute San Juan Capistrano and Counsyl); PubMed 21153778 (cited by Quest Diagnostics Nichols Institute San Juan Capistrano and Counsyl); PubMed 35534704 (cited by Quest Diagnostics Nichols Institute San Juan Capistrano); PubMed 34326862 (cited by Quest Diagnostics Nichols Institute San Juan Capistrano); Found in Japanese & Korean populations (cited by GeneReviews).

NM_001048174.2(MUTYH):c.1034C>T (p.Ala345Val)

Gene: MUTYH (mutY DNA glycosylase; minus strand). Cytogenetic location: 1p34.1.
Variant type: single nucleotide variant.
Coding change: c.1034C>T on transcript NM_001048174.2 (MANE Select); coding-DNA position 1034, C replaced by T.
Protein change: p.Ala345Val; replaces alanine 345 with valine.
Molecular consequence: missense variant. On other transcripts: non-coding transcript variant (2).
Genome position (GRCh38, 1-based): chr1:45,331,729, G>A on the plus strand (C>T on the coding strand, the complement: MUTYH is on the minus strand). VCF-style: chr1-45331729-G-A. GRCh37 (hg19) VCF-style: chr1-45797401-G-A.
Other names: p.A359V:GCC>GTC; c.1034C>T, p.Ala345Val (NM_001048171.2, NM_001048173.2, NM_001293195.2); c.1037C>T, p.Ala346Val (NM_001048172.2); c.1118C>T, p.Ala373Val (NM_001128425.2); c.1079C>T, p.Ala360Val (NM_001293190.2); c.1067C>T, p.Ala356Val (NM_001293191.2); c.758C>T, p.Ala253Val (NM_001293192.2, NM_001293196.2); c.689C>T, p.Ala230Val (NM_001350650.2, NM_001350651.2); and 1 more; short protein forms A359V, A253V, A360V, A345V, A346V, A370V, A230V, A356V.
Identifiers: ClinVar variation 41751 (VCV000041751.75), dbSNP rs35352891, ClinGen allele CA011551.